The following is an entry in ClinVar:

NM_017866.6(TMEM70):c.455C>A (p.Thr152Lys)

Gene: TMEM70 (transmembrane protein 70; plus strand). Cytogenetic location: 8q21.11.
Variant type: single nucleotide variant.
Coding change: c.455C>A on transcript NM_017866.6 (MANE Select); coding-DNA position 455, C replaced by A.
Protein change: p.Thr152Lys; replaces threonine 152 with lysine.
Molecular consequence: missense variant. On other transcripts: 3 prime UTR variant (1), non-coding transcript variant (1).
Genome position (GRCh38, 1-based): chr8:73,981,293, C>A. VCF-style: chr8-73981293-C-A. GRCh37 (hg19) VCF-style: chr8-74893528-C-A.
Other names: c.*145C>A (NM_001040613.3); short protein forms T152K.
Identifiers: ClinVar variation 4993121 (VCV004993121.1).

ClinVar aggregate classification (germline): Uncertain significance (1 of 4 stars; one submission).

Conditions:
TMEM70-related disorder. Also called: TMEM70-related condition.

Submission:

PreventionGenetics, part of Exact Sciences
Classification: Uncertain significance for TMEM70-related condition. Last evaluated: 2026-03-10. Review status: criteria provided, single submitter. Criteria: ACMG Guidelines, 2015. Collection method: clinical testing. Allele origin: germline.
Comment: The TMEM70 c.455C>A variant is predicted to result in the amino acid substitution p.Thr152Lys. To our knowledge, this variant has not been reported in the literature or in a large population database (gnomAD), indicating this variant is rare. At this time, the clinical significance of this variant is uncertain due to the absence of conclusive functional and genetic evidence.